The following is an entry in ClinVar:

ClinVar aggregate classification (germline): Uncertain significance. Review status: criteria provided, multiple submitters, no conflicts (2 of 4 stars). 2 submissions from 2 submitters: Uncertain significance (2). Last evaluated 2025-12-15.

Conditions:
Agammaglobulinemia 2, autosomal recessive (AGM2). Also called: AGAMMAGLOBULINEMIA, AUTOSOMAL RECESSIVE, DUE TO IGLL1 DEFECT. Identifiers: MedGen C3150750, MONDO:0013287, OMIM 613500.

Allele frequency attached by ClinVar (database versions not stated): gnomAD 0.00006; gnomAD exomes 0.00008 and 0.00021; 1000 Genomes Project 30x 0.00016; TOPMed 0.00018; 1000 Genomes Project 0.00020; ExAC 0.00037.

Submissions (2):

Labcorp Genetics (formerly Invitae), Labcorp
Classification: Uncertain significance for Agammaglobulinemia 2, autosomal recessive. Last evaluated: 2025-12-15. Review status: criteria provided, single submitter. Criteria: Invitae Variant Classification Sherloc (09022015). Collection method: clinical testing. Allele origin: germline.
Comment: This sequence change replaces arginine, which is basic and polar, with glutamine, which is neutral and polar, at codon 66 of the IGLL1 protein (p.Arg66Gln). This variant is present in population databases (rs569884568, gnomAD 0.1%), and has an allele count higher than expected for a pathogenic variant. This variant has not been reported in the literature in individuals affected with IGLL1-related conditions. ClinVar contains an entry for this variant (Variation ID: 572361). An algorithm developed to predict the effect of missense changes on protein structure and function (PolyPhen-2) suggests that this variant is likely to be tolerated. In summary, the available evidence is currently insufficient to determine the role of this variant in disease. Therefore, it has been classified as a Variant of Uncertain Significance.

Blueprint Genetics
Classification: Uncertain significance. Last evaluated: 2024-09-09. Review status: criteria provided, single submitter. Criteria: ACMG Guidelines, 2015. Collection method: clinical testing. Allele origin: germline.

NM_020070.4(IGLL1):c.197G>A (p.Arg66Gln)

Gene: IGLL1 (immunoglobulin lambda like polypeptide 1; minus strand). Cytogenetic location: 22q11.23.
Variant type: single nucleotide variant.
Coding change: c.197G>A on transcript NM_020070.4 (MANE Select); coding-DNA position 197, G replaced by A.
Protein change: p.Arg66Gln; replaces arginine 66 with glutamine.
Molecular consequence: missense variant.
Genome position (GRCh38, 1-based): chr22:23,579,994, C>T on the plus strand (G>A on the coding strand, the complement: IGLL1 is on the minus strand). VCF-style: chr22-23579994-C-T. GRCh37 (hg19) VCF-style: chr22-23922181-C-T.
Other names: c.197G>A, p.Arg66Gln (NM_001369906.1, NM_152855.3); short protein forms R66Q.
Identifiers: ClinVar variation 572361 (VCV000572361.10), dbSNP rs569884568, ClinGen allele CA10143411.